The following is an entry in ClinVar:

NM_001127208.3(TET2):c.356A>G (p.Asn119Ser)

Genes: TET2 (tet methylcytosine dioxygenase 2; plus strand), TET2-AS1 (TET2 antisense RNA 1; minus strand). Cytogenetic location: 4q24.
Variant type: single nucleotide variant.
Coding change: c.356A>G on transcript NM_001127208.3 (MANE Select); coding-DNA position 356, A replaced by G.
Protein change: p.Asn119Ser; replaces asparagine 119 with serine.
Molecular consequence: missense variant.
Genome position (GRCh38, 1-based): chr4:105,234,298, A>G. VCF-style: chr4-105234298-A-G. GRCh37 (hg19) VCF-style: chr4-106155455-A-G.
Other names: c.356A>G, p.Asn119Ser (NM_017628.4); short protein forms N119S.
Identifiers: ClinVar variation 1978379 (VCV001978379.4), dbSNP rs146311392, ClinGen allele CA102747716.

ClinVar aggregate classification (germline): Uncertain significance. Review status: criteria provided, multiple submitters, no conflicts (2 of 4 stars). 2 submissions from 2 submitters: Uncertain significance (2). Last evaluated 2025-06-06.

Conditions:
TET2-related disorder. Also called: TET2-related condition.

Allele frequency attached by ClinVar (database versions not stated): ESP Exome Variant Server 0.00008; gnomAD exomes 0.00001; TOPMed 0.00002.
gnomAD v4.1: 10 of 1,614,136 alleles (0.00062%); highest among the groups gnomAD compares: Admixed American, 0.0067%; no homozygotes.

Submissions (2):

PreventionGenetics, part of Exact Sciences
Classification: Uncertain significance for TET2-related condition. Last evaluated: 2025-06-06. Review status: criteria provided, single submitter. Criteria: ACMG Guidelines, 2015. Collection method: clinical testing. Allele origin: germline.
Comment: The TET2 c.356A>G variant is predicted to result in the amino acid substitution p.Asn119Ser. To our knowledge, this variant has not been reported in the literature. This variant is reported in 0.0058% of alleles in individuals of Latino descent in gnomAD. At this time, the clinical significance of this variant is uncertain due to the absence of conclusive functional and genetic evidence.

Labcorp Genetics (formerly Invitae), Labcorp
Classification: Uncertain significance. Last evaluated: 2023-08-04. Review status: criteria provided, single submitter. Criteria: Invitae Variant Classification Sherloc (09022015). Collection method: clinical testing. Allele origin: germline.
Comment: In summary, the available evidence is currently insufficient to determine the role of this variant in disease. Therefore, it has been classified as a Variant of Uncertain Significance. An algorithm developed to predict the effect of missense changes on protein structure and function (PolyPhen-2) suggests that this variant¬†is likely to be tolerated. ClinVar contains an entry for this variant (Variation ID: 1978379). This variant has not been reported in the literature in individuals affected with TET2-related conditions. This variant is present in population databases (rs146311392, gnomAD 0.006%). This sequence change replaces asparagine, which is neutral and polar, with serine, which is neutral and polar, at codon 119 of the TET2 protein (p.Asn119Ser).